The following is an entry in ClinVar:

NM_177438.3(DICER1):c.3094-15T>C

Gene: DICER1 (dicer 1, ribonuclease III; minus strand). Cytogenetic location: 14q32.13.
Variant type: single nucleotide variant.
Coding change: c.3094-15T>C on transcript NM_177438.3 (MANE Select); 15 bases into the intron before coding-DNA position 3094, T replaced by C.
Molecular consequence: intron variant.
Genome position (GRCh38, 1-based): chr14:95,105,261, A>G on the plus strand (T>C on the coding strand, the complement: DICER1 is on the minus strand). VCF-style: chr14-95105261-A-G. GRCh37 (hg19) VCF-style: chr14-95571598-A-G.
Other names: c.3094-15T>C (NM_001291628.2, NM_030621.4, NM_001395677.1 and 12 more transcripts); c.2689-15T>C (NM_001395690.1, NM_001395687.1, NM_001395689.1 and 2 more transcripts); c.2812-15T>C (NM_001395686.1); c.2527-15T>C (NM_001395691.1); c.1411-15T>C (NM_001395697.1).
Identifiers: ClinVar variation 2415626 (VCV002415626.7), dbSNP rs773182274, ClinGen allele CA7331094.
Genomic context (GRCh38, chr14:95,105,261, plus strand): 5'-GTGATGCTGGAATTGGATGTATAGCACAGAGTTCTGGAACCAGTATCTTCAAGTAAGGGG[A>G]AAAATGGACAGATAAATACAAAGCGCACACACAAAAGAAAAAAAAAAAGACCAATTTCAC-3'

ClinVar aggregate classification (germline): Likely benign. Review status: criteria provided, multiple submitters, no conflicts (2 of 4 stars). 2 submissions from 2 submitters: Likely benign (2). Last evaluated 2026-08-17.

Conditions:
DICER1-related tumor predisposition. Also called: DICER1-related pleuropulmonary blastoma cancer predisposition syndrome; DICER1 syndrome. Identifiers: Orphanet 284343, MedGen C3839822, MONDO:0100216.

Allele frequency attached by ClinVar (database versions not stated): ExAC 0.00001; gnomAD exomes below 0.00001.
gnomAD v4.1: 1 of 1,608,072 alleles (0.000062%); highest among the groups gnomAD compares: Non-Finnish European, 0.000085%; no homozygotes.

Submissions (2):

Myriad Genetics, Inc.
Classification: Likely benign for DICER1-related tumor predisposition. Last evaluated: 2026-08-17. Review status: criteria provided, single submitter. Criteria: Myriad Autosomal Dominant, Autosomal Recessive and X-Linked Classification Criteria (2023). Collection method: clinical testing. Allele origin: unknown.
Comment: This variant is considered likely benign. This variant is intronic and is not expected to impact mRNA splicing.

Labcorp Genetics (formerly Invitae), Labcorp
Classification: Likely benign for DICER1-related tumor predisposition. Last evaluated: 2025-11-10. Review status: criteria provided, single submitter. Criteria: Invitae Variant Classification Sherloc (09022015). Collection method: clinical testing. Allele origin: germline.